The following is an entry in ClinVar:

NC_000012.12:g.(?_110626342)_(110642409_?)del

Gene: TCTN1 (tectonic family member 1; plus strand). Cytogenetic location: 12q24.11.
Variant type: Deletion.
Identifiers: ClinVar variation 833489 (VCV000833489.9).

ClinVar aggregate classification (germline): Pathogenic (1 of 4 stars; one submission).

Conditions:
Meckel-Gruber syndrome. Also called: DYSENCEPHALIA SPLANCHNOCYSTICA; GRUBER SYNDROME; Dysencephalia splachnocystica. Identifiers: Orphanet 564, MedGen C0265215, MONDO:0018921.
Joubert syndrome. Also called: CEREBELLOPARENCHYMAL DISORDER IV; JOUBERT-BOLTSHAUSER SYNDROME; Familial aplasia of the vermis. Identifiers: Orphanet 475, MedGen C5979921, MONDO:0018772.

Submission:

Labcorp Genetics (formerly Invitae), Labcorp
Classification: Pathogenic for Joubert syndrome; Meckel-Gruber syndrome. Last evaluated: 2019-05-31. Review status: criteria provided, single submitter. Criteria: Invitae Variant Classification Sherloc (09022015). Collection method: clinical testing. Allele origin: germline.
Comment: This variant is an in-frame deletion of the genomic region encompassing exons 3-11 of the TCTN1 gene. It preserves the integrity of the reading frame. This variant has been observed in individual(s) with clinical features of TCTN1-related disease (Invitae). In this individual the data is consistent with the variant being in trans (on the opposite chromosome) from a pathogenic variant. For these reasons, this variant has been classified as Pathogenic.